The following is an entry in ClinVar:

ClinVar aggregate classification (germline): Likely pathogenic (3 of 4 stars; one submission).

Conditions:
Phenylketonuria (PKU). Also called: FOLLING DISEASE; OLIGOPHRENIA PHENYLPYRUVICA; Phenylketonurias; Phenylketonuria (PKU). Identifiers: Orphanet 716, MedGen C0031485, MONDO:0009861, OMIM 261600. Disease mechanism: loss of function.

Submission:

ClinGen PAH Variant Curation Expert Panel
Classification: Likely pathogenic for Phenylketonuria. Last evaluated: 2026-06-17. Review status: reviewed by expert panel. Criteria: ClinGen PAH ACMG Specifications PAH V2.0.0. Collection method: curation. Allele origin: germline. Inheritance: Autosomal recessive inheritance.
Comment: The c.878T>C variant in PAH is a missense variant predicted to cause substitution of leucine by serine at amino acid 293 (p.Leu293Ser). At least one patient with this variant displayed plasma phenylalanine concentration persistently above 120umol/L (2mg/dL) AND sequencing of genes in the BH4 cofactor metabolism pathway excluded a defect of BH4 cofactor metabolism, which is highly specific for PAH deficiency (PP4_Moderate, PMID: 21147011). This variant is absent from gnomAD v4.1.0 (PM2_Supporting). The computational predictor REVEL gives a score of 0.968, which meets the threshold of 0.932, evidence that correlates with strong impact to PAH function (PP3_Strong). Another missense variant c.877T>A (p.Leu293Met) [CA16020883] in the same codon has been classified as likely pathogenic for PAH deficiency by the ClinGen PAH Variant Curation Expert Panel (PM5_Supporting). In summary, this variant meets the criteria to be classified as likely pathogenic for autosomal recessive PAH deficiency based on the ACMG/AMP criteria applied, as specified by the ClinGen PAH Variant Curation Expert Panel: PP3_strong, PP4_moderate, PM2_supporting, PM5_supporting (PAH VCEP specifications version 2.0.0; approved July 16, 2024).

Literature cited by the submitters: PubMed 21147011.

NM_000277.3(PAH):c.878T>C (p.Leu293Ser)

Genes: PAH (phenylalanine hydroxylase; minus strand), LOC126861615 (CDK7 strongly-dependent group 2 enhancer GRCh37_chr12:103244689-103245888; plus strand). Cytogenetic location: 12q23.2.
Variant type: single nucleotide variant.
Coding change: c.878T>C on transcript NM_000277.3 (MANE Select); coding-DNA position 878, T replaced by C.
Protein change: p.Leu293Ser; replaces leucine 293 with serine.
Molecular consequence: missense variant.
Genome position (GRCh38, 1-based): chr12:102,851,721, A>G on the plus strand (T>C on the coding strand, the complement: PAH is on the minus strand). VCF-style: chr12-102851721-A-G. GRCh37 (hg19) VCF-style: chr12-103245499-A-G.
Other names: NM_000277.1:c.878T>C; c.878T>C, p.Leu293Ser (NM_001354304.2); short protein forms L293S.
Identifiers: ClinVar variation 4857331 (VCV004857331.1).